The following is an entry in ClinVar:

NM_002470.4(MYH3):c.5308C>A (p.Leu1770Met)

Gene: MYH3 (myosin heavy chain 3; minus strand). Cytogenetic location: 17p13.1.
Variant type: single nucleotide variant.
Coding change: c.5308C>A on transcript NM_002470.4 (MANE Select); coding-DNA position 5308, C replaced by A.
Protein change: p.Leu1770Met; replaces leucine 1770 with methionine.
Molecular consequence: missense variant.
Genome position (GRCh38, 1-based): chr17:10,630,437, G>T on the plus strand (C>A on the coding strand, the complement: MYH3 is on the minus strand). VCF-style: chr17-10630437-G-T. GRCh37 (hg19) VCF-style: chr17-10533754-G-T.
Other names: short protein forms L1770M.
Identifiers: ClinVar variation 2629645 (VCV002629645.1), dbSNP rs771904289, ClinGen allele CA398131887.

ClinVar aggregate classification (germline): Uncertain significance (1 of 4 stars; one submission).

Conditions:
MYH3-related disorder. Also called: MYH3-related condition; MYH3-Related Disorders. Identifiers: MedGen CN239329.

Allele frequency attached by ClinVar (database versions not stated): TOPMed below 0.00001.

Submission:

PreventionGenetics, part of Exact Sciences
Classification: Uncertain significance for MYH3-related condition. Last evaluated: 2023-05-10. Review status: criteria provided, single submitter. Criteria: ACMG Guidelines, 2015. Collection method: clinical testing. Allele origin: germline.
Comment: The MYH3 c.5308C>A variant is predicted to result in the amino acid substitution p.Leu1770Met. To our knowledge, this variant has not been reported in the literature or in a large population database, indicating this variant is rare. At this time, the clinical significance of this variant is uncertain due to the absence of conclusive functional and genetic evidence.